The following is an entry in ClinVar:

NM_000065.5(C6):c.1177G>A (p.Glu393Lys)

Gene: C6 (complement C6; minus strand). Cytogenetic location: 5p13.1.
Variant type: single nucleotide variant.
Coding change: c.1177G>A on transcript NM_000065.5 (MANE Select); coding-DNA position 1177, G replaced by A.
Protein change: p.Glu393Lys; replaces glutamic acid 393 with lysine.
Molecular consequence: missense variant.
Genome position (GRCh38, 1-based): chr5:41,172,339, C>T on the plus strand (G>A on the coding strand, the complement: C6 is on the minus strand). VCF-style: chr5-41172339-C-T. GRCh37 (hg19) VCF-style: chr5-41172441-C-T.
Other names: c.1177G>A, p.Glu393Lys (NM_001115131.4); c.1177G>A (NM_000065.2); short protein forms E393K.
Identifiers: ClinVar variation 1354268 (VCV001354268.7), dbSNP rs764543477, ClinGen allele CA117768100.

ClinVar aggregate classification (germline): Uncertain significance. Review status: criteria provided, multiple submitters, no conflicts (2 of 4 stars). 2 submissions from 2 submitters: Uncertain significance (2). Last evaluated 2025-06-11.

Conditions:
Inborn genetic diseases. Identifiers: MedGen C0950123, MeSH D030342.

Allele frequency attached by ClinVar (database versions not stated): gnomAD 0.00001.
gnomAD v4.1: 6 of 1,613,374 alleles (0.00037%); highest among the groups gnomAD compares: East Asian, 0.0022%; no homozygotes.

Submissions (2):

Ambry Genetics
Classification: Uncertain significance for Inborn genetic diseases. Last evaluated: 2025-06-11. Review status: criteria provided, single submitter. Criteria: Ambry Variant Classification Scheme 2023. Collection method: clinical testing. Allele origin: germline.

Labcorp Genetics (formerly Invitae), Labcorp
Classification: Uncertain significance. Last evaluated: 2024-07-16. Review status: criteria provided, single submitter. Criteria: Invitae Variant Classification Sherloc (09022015). Collection method: clinical testing. Allele origin: germline.
Comment: This sequence change replaces glutamic acid, which is acidic and polar, with lysine, which is basic and polar, at codon 393 of the C6 protein (p.Glu393Lys). This variant is present in population databases (no rsID available, gnomAD 0.003%). This variant has not been reported in the literature in individuals affected with C6-related conditions. ClinVar contains an entry for this variant (Variation ID: 1354268). An algorithm developed to predict the effect of missense changes on protein structure and function outputs the following: PolyPhen-2: "Benign". The lysine amino acid residue is found in multiple mammalian species, which suggests that this missense change does not adversely affect protein function. In summary, the available evidence is currently insufficient to determine the role of this variant in disease. Therefore, it has been classified as a Variant of Uncertain Significance.